The following is an entry in ClinVar:

ClinVar aggregate classification (germline): Uncertain significance. Review status: criteria provided, multiple submitters, no conflicts (2 of 4 stars). 3 submissions from 3 submitters: Uncertain significance (2). 1 of the submissions does not count toward it. Last evaluated 2025-03-14.

Conditions:
TCTN3-related disorder. Also called: TCTN3-related condition.
Orofacial-digital syndrome IV (OFD4). Also called: BARAITSER-BURN SYNDROME; OFD SYNDROME WITH TIBIAL DEFECTS; OFD SYNDROME, BARAITSER-BURN TYPE; OFDS IV; ORAL-FACIAL-DIGITAL SYNDROME, TYPE IV; Orofaciodigital syndrome IV. Identifiers: Orphanet 2753, MedGen C0406727, MONDO:0009794, OMIM 258860.
Joubert syndrome 18 (JBTS18). Identifiers: Orphanet 2754, MedGen C3553758, MONDO:0013896, OMIM 614815.

Allele frequency attached by ClinVar (database versions not stated): gnomAD 0.00004 and 0.00005; ExAC 0.00017; TOPMed 0.00017; gnomAD exomes 0.00024.
gnomAD v4.1: 77 of 1,614,032 alleles (0.0048%); highest among the groups gnomAD compares: Admixed American, 0.13%; no homozygotes.

Submissions (3):

GeneDx
Classification: Uncertain significance. Last evaluated: 2025-03-14. Review status: criteria provided, single submitter. Criteria: GeneDx Variant Classification Process June 2021. Collection method: clinical testing. Allele origin: germline. Affected: yes.
Comment: In silico analysis supports that this missense variant has a deleterious effect on protein structure/function; Has not been previously published as pathogenic or benign to our knowledge

Labcorp Genetics (formerly Invitae), Labcorp
Classification: Uncertain significance for Joubert syndrome 18; Orofacial-digital syndrome IV. Last evaluated: 2024-01-18. Review status: criteria provided, single submitter. Criteria: Invitae Variant Classification Sherloc (09022015). Collection method: clinical testing. Allele origin: germline.
Comment: This sequence change replaces proline, which is neutral and non-polar, with serine, which is neutral and polar, at codon 513 of the TCTN3 protein (p.Pro513Ser). This variant is present in population databases (rs755942179, gnomAD 0.2%). This variant has not been reported in the literature in individuals affected with TCTN3-related conditions. ClinVar contains an entry for this variant (Variation ID: 423293). Advanced modeling of protein sequence and biophysical properties (such as structural, functional, and spatial information, amino acid conservation, physicochemical variation, residue mobility, and thermodynamic stability) performed at Invitae indicates that this missense variant is not expected to disrupt TCTN3 protein function with a negative predictive value of 80%. In summary, the available evidence is currently insufficient to determine the role of this variant in disease. Therefore, it has been classified as a Variant of Uncertain Significance.

PreventionGenetics, part of Exact Sciences
Classification: Likely benign for TCTN3-related condition. Last evaluated: 2023-07-11. Review status: no assertion criteria provided. Collection method: clinical testing. Allele origin: germline. Not counted in ClinVar's aggregate classification.
Comment: This variant is classified as likely benign based on ACMG/AMP sequence variant interpretation guidelines (Richards et al. 2015 PMID: 25741868, with internal and published modifications).

NM_015631.6(TCTN3):c.1537C>T (p.Pro513Ser)

Gene: TCTN3 (tectonic family member 3; minus strand). Cytogenetic location: 10q24.1.
Variant type: single nucleotide variant.
Coding change: c.1537C>T on transcript NM_015631.6 (MANE Select); coding-DNA position 1537, C replaced by T.
Protein change: p.Pro513Ser; replaces proline 513 with serine.
Molecular consequence: missense variant.
Genome position (GRCh38, 1-based): chr10:95,680,525, G>A on the plus strand (C>T on the coding strand, the complement: TCTN3 is on the minus strand). VCF-style: chr10-95680525-G-A. GRCh37 (hg19) VCF-style: chr10-97440282-G-A.
Other names: c.1093C>T, p.Pro365Ser (NM_001143973.2); short protein forms P513S, P365S.
Identifiers: ClinVar variation 423293 (VCV000423293.12), dbSNP rs755942179, ClinGen allele CA5620803.
Genomic context (GRCh38, chr10:95,680,525, plus strand): 5'-GACTTACCTGTATAGACTGGCACTGGTATAGGAATCGAACTCCTGATACATGAGCTTGCG[G>A]GTTGGACAGGAGACCTACATATGCCCACAATACCTGGATCTCCAGGGAAACTGGTATGAG-3'
Protein context (NP_056446.4, residues 503-523): LWAYVGLLSN[Pro513Ser]QAHVSGVRFL